The following is an entry in ClinVar:

ClinVar aggregate classification (germline): Uncertain significance (1 of 4 stars; one submission).

Conditions:
Joubert syndrome 14 (JBTS14). Identifiers: MedGen C3280766, MONDO:0013745, OMIM 614424.

Allele frequency attached by ClinVar (database versions not stated): gnomAD exomes below 0.00001; TOPMed below 0.00001.
gnomAD v4.1: 6 of 1,607,518 alleles (0.00037%); highest among the groups gnomAD compares: East Asian, 0.0022%; no homozygotes.

Submission:

Labcorp Genetics (formerly Invitae), Labcorp
Classification: Uncertain significance for Joubert syndrome 14. Last evaluated: 2022-04-13. Review status: criteria provided, single submitter. Criteria: Invitae Variant Classification Sherloc (09022015). Collection method: clinical testing. Allele origin: germline.
Comment: This sequence change replaces alanine, which is neutral and non-polar, with threonine, which is neutral and polar, at codon 57 of the TMEM237 protein (p.Ala57Thr). The frequency data for this variant in the population databases is considered unreliable, as metrics indicate poor data quality at this position in the gnomAD database. This variant has not been reported in the literature in individuals affected with TMEM237-related conditions. ClinVar contains an entry for this variant (Variation ID: 645015). Algorithms developed to predict the effect of missense changes on protein structure and function output the following: SIFT: "Tolerated"; PolyPhen-2: "Benign"; Align-GVGD: "Class C0". The threonine amino acid residue is found in multiple mammalian species, which suggests that this missense change does not adversely affect protein function. In summary, the available evidence is currently insufficient to determine the role of this variant in disease. Therefore, it has been classified as a Variant of Uncertain Significance.

NM_001044385.3(TMEM237):c.169G>A (p.Ala57Thr)

Gene: TMEM237 (transmembrane protein 237; minus strand). Cytogenetic location: 2q33.1.
Variant type: single nucleotide variant.
Coding change: c.169G>A on transcript NM_001044385.3 (MANE Select); coding-DNA position 169, G replaced by A.
Protein change: p.Ala57Thr; replaces alanine 57 with threonine.
Molecular consequence: missense variant.
Genome position (GRCh38, 1-based): chr2:201,636,853, C>T on the plus strand (G>A on the coding strand, the complement: TMEM237 is on the minus strand). VCF-style: chr2-201636853-C-T. GRCh37 (hg19) VCF-style: chr2-202501576-C-T.
Other names: c.145G>A, p.Ala49Thr (NM_152388.4); short protein forms A57T, A49T.
Identifiers: ClinVar variation 645015 (VCV000645015.6), dbSNP rs999613520, ClinGen allele CA63958512.